The following is an entry in ClinVar:

NM_003239.5(TGFB3):c.859C>T (p.Arg287Trp)

Gene: TGFB3 (transforming growth factor beta 3; minus strand). Cytogenetic location: 14q24.3.
Variant type: single nucleotide variant.
Coding change: c.859C>T on transcript NM_003239.5 (MANE Select); coding-DNA position 859, C replaced by T.
Protein change: p.Arg287Trp; replaces arginine 287 with tryptophan.
Molecular consequence: missense variant.
Genome position (GRCh38, 1-based): chr14:75,963,383, G>A on the plus strand (C>T on the coding strand, the complement: TGFB3 is on the minus strand). VCF-style: chr14-75963383-G-A. GRCh37 (hg19) VCF-style: chr14-76429726-G-A.
Other names: c.859C>T, p.Arg287Trp (NM_001329938.2, NM_001329939.2); short protein forms R287W.
Identifiers: ClinVar variation 618427 (VCV000618427.24), dbSNP rs757774610, ClinGen allele CA7280326.

ClinVar aggregate classification (germline): Uncertain significance. Review status: criteria provided, multiple submitters, no conflicts (2 of 4 stars). 6 submissions from 6 submitters: Uncertain significance (6). Last evaluated 2026-03-10.

Conditions:
Arrhythmogenic right ventricular dysplasia 1. Identifiers: Orphanet 3403, MedGen C1862511, MONDO:0007152, OMIM 107970.
Rienhoff syndrome. Also called: LOEYS-DIETZ SYNDROME 5. Identifiers: MedGen C3810012, MONDO:0014262, OMIM 615582.
Familial thoracic aortic aneurysm and aortic dissection (TAAD). Also called: Thoracic aortic aneurysms and dissections. Identifiers: Orphanet 91387, MedGen C4707243, MONDO:0019625.

Allele frequency attached by ClinVar (database versions not stated): gnomAD 0.00003; gnomAD exomes 0.00004 and 0.00006; ExAC 0.00005; TOPMed 0.00005.
gnomAD v4.1: 69 of 1,614,054 alleles (0.0043%); highest among the groups gnomAD compares: Admixed American, 0.018%; no homozygotes.

Submissions (6):

Ambry Genetics
Classification: Uncertain significance for Familial thoracic aortic aneurysm and aortic dissection. Last evaluated: 2026-03-10. Review status: criteria provided, single submitter. Criteria: Ambry Variant Classification Scheme 2023. Collection method: clinical testing. Allele origin: germline.
Comment: The c.859C>T (p.R287W) alteration is located in exon 5 (coding exon 5) of the TGFB3 gene. This alteration results from a C to T substitution at nucleotide position 859, causing the arginine (R) at amino acid position 287 to be replaced by a tryptophan (W). Based on data from gnomAD, the T allele has an overall frequency of 0.005% (15/282842) total alleles studied. The highest observed frequency was 0.023% (8/35438) of Latino alleles. Based on insufficient or conflicting evidence, the clinical significance of this alteration remains unclear.

Labcorp Genetics (formerly Invitae), Labcorp
Classification: Uncertain significance for Rienhoff syndrome. Last evaluated: 2024-10-24. Review status: criteria provided, single submitter. Criteria: Invitae Variant Classification Sherloc (09022015). Collection method: clinical testing. Allele origin: germline.
Comment: This sequence change replaces arginine, which is basic and polar, with tryptophan, which is neutral and slightly polar, at codon 287 of the TGFB3 protein (p.Arg287Trp). This variant is present in population databases (rs757774610, gnomAD 0.02%). This variant has not been reported in the literature in individuals affected with TGFB3-related conditions. ClinVar contains an entry for this variant (Variation ID: 618427). Invitae Evidence Modeling of protein sequence and biophysical properties (such as structural, functional, and spatial information, amino acid conservation, physicochemical variation, residue mobility, and thermodynamic stability) indicates that this missense variant is expected to disrupt TGFB3 protein function with a positive predictive value of 80%. In summary, the available evidence is currently insufficient to determine the role of this variant in disease. Therefore, it has been classified as a Variant of Uncertain Significance.

GeneDx
Classification: Uncertain significance. Last evaluated: 2024-02-22. Review status: criteria provided, single submitter. Criteria: GeneDx Variant Classification Process June 2021. Collection method: clinical testing. Allele origin: germline.
Comment: Has not been previously published as pathogenic or benign to our knowledge; In silico analysis supports that this missense variant has a deleterious effect on protein structure/function

Women's Health and Genetics/Laboratory Corporation of America, LabCorp
Classification: Uncertain significance. Last evaluated: 2022-04-11. Review status: criteria provided, single submitter. Criteria: LabCorp Variant Classification Summary - May 2015. Collection method: clinical testing. Allele origin: germline.
Comment: Variant summary: TGFB3 c.859C>T (p.Arg287Trp) results in a non-conservative amino acid change in the encoded protein sequence. Five of five in-silico tools predict a damaging effect of the variant on protein function. The variant allele was found at a frequency of 5.6e-05 in 251458 control chromosomes, predominantly at a frequency of 0.00023 within the Latino subpopulation in the gnomAD database. The available data on variant occurrences in the general population are insufficient to allow any conclusion about variant significance. To our knowledge, no occurrence of c.859C>T in individuals affected with Loeys-Dietz Syndrome and no experimental evidence demonstrating its impact on protein function have been reported. Two clinical diagnostic laboratories have submitted clinical-significance assessments for this variant to ClinVar after 2014 without evidence for independent evaluation. All laboratories classified the variant as uncertain significance. Based on the evidence outlined above, the variant was classified as uncertain significance.

Fulgent Genetics
Classification: Uncertain significance for Arrhythmogenic right ventricular dysplasia 1; Rienhoff syndrome. Last evaluated: 2021-08-09. Review status: criteria provided, single submitter. Criteria: ACMG Guidelines, 2015. Collection method: clinical testing. Allele origin: unknown.

ARUP Laboratories, Molecular Genetics and Genomics, ARUP Laboratories
Classification: Uncertain significance. Last evaluated: 2018-03-21. Review status: criteria provided, single submitter. Criteria: ARUP Molecular Germline Variant Investigation Process. Collection method: clinical testing. Allele origin: germline.
Comment: The TGFB3: p.Arg287Trp variant (rs757774610) has not been reported in the medical literature, gene specific variation databases, nor has it been previously identified by our laboratory. This variant is listed in the Genome Aggregation Database (gnomAD) with a frequency of 0.02 percent in the Latino population (identified on 8 out of 34,418 chromosomes). The arginine at position 287 is highly conserved up to zebrafish considering 12 species (Alamut v2.10) and computational analyses of the p.Arg287Trp variant on protein structure and function indicate a deleterious effect (SIFT: damaging, PolyPhen-2: probably damaging). Altogether, there is not enough evidence to classify the p.Arg287Trp variant with certainty.